The following is an entry in ClinVar:

ClinVar aggregate classification (germline): Conflicting classifications of pathogenicity. Review status: criteria provided, conflicting classifications (1 of 4 stars). 2 submissions from 2 submitters: Uncertain significance (1); Benign (1). Last evaluated 2025-12-23.

Conditions:
Kabuki syndrome. Also called: NIIKAWA-KUROKI SYNDROME; Kabuki make-up syndrome. Identifiers: Orphanet 2322, MedGen C0796004, MONDO:0016512.
KMT2D-related disorder. Also called: KMT2D-Related Disorders.

Allele frequency attached by ClinVar (database versions not stated): ExAC 0.00001; gnomAD 0.00001.
gnomAD v4.1: 37 of 1,602,750 alleles (0.0023%); highest among the groups gnomAD compares: Non-Finnish European, 0.0031%; no homozygotes.

Submissions (2):

Labcorp Genetics (formerly Invitae), Labcorp
Classification: Benign for Kabuki syndrome. Last evaluated: 2025-12-23. Review status: criteria provided, single submitter. Criteria: Invitae Variant Classification Sherloc (09022015). Collection method: clinical testing. Allele origin: germline.

PreventionGenetics, part of Exact Sciences
Classification: Uncertain significance for KMT2D-related condition. Last evaluated: 2023-06-26. Review status: criteria provided, single submitter. Criteria: ACMG Guidelines, 2015. Collection method: clinical testing. Allele origin: germline.
Comment: The KMT2D c.12703C>G variant is predicted to result in the amino acid substitution p.Gln4235Glu. To our knowledge, this variant has not been reported in the literature. This variant is reported in 0.0018% of alleles in individuals of European (Non-Finnish) descent in gnomAD. At this time, the clinical significance of this variant is uncertain due to the absence of conclusive functional and genetic evidence.

NM_003482.4(KMT2D):c.12703C>G (p.Gln4235Glu)

Gene: KMT2D (lysine methyltransferase 2D; minus strand). Cytogenetic location: 12q13.12.
Variant type: single nucleotide variant.
Coding change: c.12703C>G on transcript NM_003482.4 (MANE Select); coding-DNA position 12703, C replaced by G.
Protein change: p.Gln4235Glu; replaces glutamine 4235 with glutamic acid.
Molecular consequence: missense variant.
Genome position (GRCh38, 1-based): chr12:49,032,002, G>C on the plus strand (C>G on the coding strand, the complement: KMT2D is on the minus strand). VCF-style: chr12-49032002-G-C. GRCh37 (hg19) VCF-style: chr12-49425785-G-C.
Other names: short protein forms Q4235E.
Identifiers: ClinVar variation 2632450 (VCV002632450.2), dbSNP rs766880785, ClinGen allele CA6546149.
Genomic context (GRCh38, chr12:49,032,002, plus strand): 5'-CCTGGAGGGGAGAGGTCTGGGTCCCAGGCTCCTGGTAGGGTGGGGTCTGGCGTACTGCCT[G>C]ACTCTGCTGCAGCTGCCGCTGCATGAGGAGTGCCTGTAGCTGCTGCTGCTGCTGAGGACT-3'
Protein context (NP_003473.3, residues 4225-4245): LLMQRQLQQS[Gln4235Glu]AVRQTPPYQE